The following is an entry in ClinVar:

ClinVar aggregate classification (germline): Conflicting classifications of pathogenicity. Review status: criteria provided, conflicting classifications (1 of 4 stars). 4 submissions from 4 submitters: Uncertain significance (1); Benign (1); Likely benign (2). Last evaluated 2025-05-30.

Conditions:
Hereditary cancer-predisposing syndrome. Also called: Hereditary neoplastic syndrome; Neoplastic Syndromes, Hereditary; Tumor predisposition; Hereditary Cancer Syndrome. Identifiers: Orphanet 140162, MedGen C0027672, MeSH D009386, MONDO:0015356.
Tuberous sclerosis 2 (TSC2). Identifiers: Orphanet 805, MedGen C1860707, MONDO:0013199, OMIM 613254.

Allele frequency attached by ClinVar (database versions not stated): gnomAD exomes below 0.00001; TOPMed below 0.00001; gnomAD 0.00001.
gnomAD v4.1: 2 of 1,612,858 alleles (0.00012%); highest among the groups gnomAD compares: Non-Finnish European, 0.00017%; no homozygotes.

Submissions (4):

Myriad Genetics, Inc.
Classification: Benign for Tuberous sclerosis 2. Last evaluated: 2025-05-30. Review status: criteria provided, single submitter. Criteria: Myriad Autosomal Dominant, Autosomal Recessive and X-Linked Classification Criteria (2023). Collection method: clinical testing. Allele origin: unknown.
Comment: This variant is considered benign. This variant is a silent/synonymous amino acid change and it is not expected to impact splicing.

Ambry Genetics
Classification: Uncertain significance for Hereditary cancer-predisposing syndrome. Last evaluated: 2025-01-15. Review status: criteria provided, single submitter. Criteria: Ambry Variant Classification Scheme 2023. Collection method: clinical testing. Allele origin: germline.
Comment: The c.3675C>T variant (also known as p.N1225N), located in coding exon 30 of the TSC2 gene, results from a C to T substitution at nucleotide position 3675. This nucleotide substitution does not change the amino acid at codon 1225. This nucleotide position is well conserved in available vertebrate species. In silico splice site analysis for this alteration is inconclusive. RNA studies have demonstrated that this alteration results in a splice defect; the clinical impact of this abnormal splicing is unknown at this time (Ambry internal data). Based on the available evidence, the clinical significance of this variant remains unclear.

Labcorp Genetics (formerly Invitae), Labcorp
Classification: Likely benign for Tuberous sclerosis 2. Last evaluated: 2024-10-02. Review status: criteria provided, single submitter. Criteria: Invitae Variant Classification Sherloc (09022015). Collection method: clinical testing. Allele origin: germline.

GeneDx
Classification: Likely benign. Last evaluated: 2020-12-07. Review status: criteria provided, single submitter. Criteria: GeneDx Variant Classification Process June 2021. Collection method: clinical testing. Allele origin: germline. Affected: yes.

NM_000548.5(TSC2):c.3675C>T (p.Asn1225=)

Gene: TSC2 (TSC complex subunit 2; plus strand). Cytogenetic location: 16p13.3.
Variant type: single nucleotide variant.
Coding change: c.3675C>T on transcript NM_000548.5 (MANE Select); coding-DNA position 3675, C replaced by T.
Protein change: p.Asn1225=; no amino-acid change (asparagine 1225 retained).
Molecular consequence: synonymous variant.
Genome position (GRCh38, 1-based): chr16:2,081,659, C>T. VCF-style: chr16-2081659-C-T. GRCh37 (hg19) VCF-style: chr16-2131660-C-T.
Other names: c.3543C>T, p.Asn1181= (NM_001077183.3, NM_001370404.1); c.3675C>T, p.Asn1225= (NM_001114382.3); c.3435C>T, p.Asn1145= (NM_001318827.2); c.3399C>T, p.Asn1133= (NM_001318829.2); c.2943C>T, p.Asn981= (NM_001318831.2); c.3576C>T, p.Asn1192= (NM_001318832.2); c.3546C>T, p.Asn1182= (NM_001363528.2, NM_001370405.1, NM_021055.3).
Identifiers: ClinVar variation 468033 (VCV000468033.17), dbSNP rs1483188996, ClinGen allele CA493043046.